The following is an entry in ClinVar:

NM_032119.4(ADGRV1):c.17787C>A (p.Phe5929Leu)

Gene: ADGRV1 (adhesion G protein-coupled receptor V1; plus strand). Cytogenetic location: 5q14.3.
Variant type: single nucleotide variant.
Coding change: c.17787C>A on transcript NM_032119.4 (MANE Select); coding-DNA position 17787, C replaced by A.
Protein change: p.Phe5929Leu; replaces phenylalanine 5929 with leucine.
Molecular consequence: missense variant. On other transcripts: non-coding transcript variant (1).
Genome position (GRCh38, 1-based): chr5:90,863,788, C>A. VCF-style: chr5-90863788-C-A. GRCh37 (hg19) VCF-style: chr5-90159605-C-A.
Other names: short protein forms F5929L.
Identifiers: ClinVar variation 2130673 (VCV002130673.4), dbSNP rs1383205608, ClinGen allele CA360431177.
Genomic context (GRCh38, chr5:90,863,788, plus strand): 5'-ACCATATGTGGACTTTTTTGTTCCTACAGGTCTTTGCTTGGCTGTTCTTTCCCATATCTT[C>A]TGTGCCAGGTACTCCATGTTTGCAGCTAAACTTCTGACTCACATGATGGCAGCCAGCTTA-3'
Protein context (NP_115495.3, residues 5919-5939): GLCLAVLSHI[Phe5929Leu]CARYSMFAAK

ClinVar aggregate classification (germline): Uncertain significance (1 of 4 stars; one submission).

Submission:

Labcorp Genetics (formerly Invitae), Labcorp
Classification: Uncertain significance. Last evaluated: 2022-04-25. Review status: criteria provided, single submitter. Criteria: Invitae Variant Classification Sherloc (09022015). Collection method: clinical testing. Allele origin: germline.
Comment: This sequence change replaces phenylalanine, which is neutral and non-polar, with leucine, which is neutral and non-polar, at codon 5929 of the ADGRV1 protein (p.Phe5929Leu). In summary, the available evidence is currently insufficient to determine the role of this variant in disease. Therefore, it has been classified as a Variant of Uncertain Significance. Algorithms developed to predict the effect of sequence changes on RNA splicing suggest that this variant may disrupt the consensus splice site. Algorithms developed to predict the effect of missense changes on protein structure and function output the following: SIFT: "Tolerated"; PolyPhen-2: "Possibly Damaging"; Align-GVGD: "Class C0". The leucine amino acid residue is found in multiple mammalian species, which suggests that this missense change does not adversely affect protein function. This variant has not been reported in the literature in individuals affected with ADGRV1-related conditions. This variant is not present in population databases (gnomAD no frequency).